The following is an entry in ClinVar:

NM_003049.4(SLC10A1):c.925A>G (p.Lys309Glu)

Gene: SLC10A1 (solute carrier family 10 member 1; minus strand). Cytogenetic location: 14q24.1.
Variant type: single nucleotide variant.
Coding change: c.925A>G on transcript NM_003049.4 (MANE Select); coding-DNA position 925, A replaced by G.
Protein change: p.Lys309Glu; replaces lysine 309 with glutamic acid.
Molecular consequence: missense variant.
Genome position (GRCh38, 1-based): chr14:69,778,351, T>C on the plus strand (A>G on the coding strand, the complement: SLC10A1 is on the minus strand). VCF-style: chr14-69778351-T-C. GRCh37 (hg19) VCF-style: chr14-70245068-T-C.
Other names: short protein forms K309E.
Identifiers: ClinVar variation 3442442 (VCV003442442.2).

ClinVar aggregate classification (germline): Uncertain significance. Review status: criteria provided, multiple submitters, no conflicts (2 of 4 stars). 2 submissions from 2 submitters: Uncertain significance (2). Last evaluated 2025-12-16.

Conditions:
SLC10A1-related disorder. Also called: SLC10A1-related condition.

gnomAD v4.1: 68 of 1,608,042 alleles (0.0042%); highest among the groups gnomAD compares: Non-Finnish European, 0.0058%; no homozygotes.

Submissions (2):

PreventionGenetics, part of Exact Sciences
Classification: Uncertain significance for SLC10A1-related condition. Last evaluated: 2025-12-16. Review status: criteria provided, single submitter. Criteria: ACMG Guidelines, 2015. Collection method: clinical testing. Allele origin: germline.
Comment: The SLC10A1 c.925A>G variant is predicted to result in the amino acid substitution p.Lys309Glu. To our knowledge, this variant has not been reported in the literature. This variant is reported in 0.0090% of alleles in individuals of European (Non-Finnish) descent in gnomAD. At this time, the clinical significance of this variant is uncertain due to the absence of conclusive functional and genetic evidence.

Ambry Genetics
Classification: Uncertain significance. Last evaluated: 2024-11-11. Review status: criteria provided, single submitter. Criteria: Ambry Variant Classification Scheme 2023. Collection method: clinical testing. Allele origin: germline.